The following is an entry in ClinVar:

NM_004612.4(TGFBR1):c.1387-16T>A

Gene: TGFBR1 (transforming growth factor beta receptor 1; plus strand). Cytogenetic location: 9q22.33.
Variant type: single nucleotide variant.
Coding change: c.1387-16T>A on transcript NM_004612.4 (MANE Select); 16 bases into the intron before coding-DNA position 1387, T replaced by A.
Molecular consequence: intron variant.
Genome position (GRCh38, 1-based): chr9:99,149,164, T>A. VCF-style: chr9-99149164-T-A. GRCh37 (hg19) VCF-style: chr9-101911446-T-A.
Other names: c.1399-16T>A (NM_001306210.2); c.1156-16T>A (NM_001130916.3).
Identifiers: ClinVar variation 509945 (VCV000509945.11), dbSNP rs199541766, ClinGen allele CA040648.
Genomic context (GRCh38, chr9:99,149,164, plus strand): 5'-TTACACGTAAAAATTCTTATCCAGACCAATGGAAAATGGTGCATGCATTAATTTTTTTTT[T>A]TATATTTTCTTGTAGGCCTTGAGAGTAATGGCTAAAATTATGAGAGAATGTTGGTATGCC-3'

ClinVar aggregate classification (germline): Benign/Likely benign. Review status: criteria provided, multiple submitters, no conflicts (2 of 4 stars). 4 submissions from 4 submitters: Benign (1); Likely benign (3). Last evaluated 2026-01-17.

Conditions:
Familial thoracic aortic aneurysm and aortic dissection (TAAD). Also called: Thoracic aortic aneurysms and dissections. Identifiers: Orphanet 91387, MedGen C4707243, MONDO:0019625.

Allele frequency attached by ClinVar (database versions not stated): gnomAD 0.00002 and 0.00003; TOPMed 0.00003; ExAC 0.00007; gnomAD exomes 0.00008 and 0.00015.
gnomAD v4.1: 219 of 1,573,248 alleles (0.014%); highest among the groups gnomAD compares: Admixed American, 0.02%; 1 homozygote.

Submissions (4):

Labcorp Genetics (formerly Invitae), Labcorp
Classification: Likely benign for Familial thoracic aortic aneurysm and aortic dissection. Last evaluated: 2026-01-17. Review status: criteria provided, single submitter. Criteria: Invitae Variant Classification Sherloc (09022015). Collection method: clinical testing. Allele origin: germline.

Women's Health and Genetics/Laboratory Corporation of America, LabCorp
Classification: Benign. Last evaluated: 2025-12-19. Review status: criteria provided, single submitter. Criteria: LabCorp Variant Classification Summary - May 2015. Collection method: clinical testing. Allele origin: germline.

Blueprint Genetics
Classification: Likely benign. Last evaluated: 2023-11-10. Review status: criteria provided, single submitter. Criteria: ACMG Guidelines, 2015. Collection method: clinical testing. Allele origin: germline.

GeneDx
Classification: Likely benign. Last evaluated: 2017-03-22. Review status: criteria provided, single submitter. Criteria: GeneDx Variant Classification (06012015). Collection method: clinical testing. Allele origin: germline. Affected: yes.
Comment: This variant is considered likely benign or benign based on one or more of the following criteria: it is a conservative change, it occurs at a poorly conserved position in the protein, it is predicted to be benign by multiple in silico algorithms, and/or has population frequency not consistent with disease.